The following is an entry in ClinVar:

ClinVar aggregate classification (germline): Conflicting classifications of pathogenicity. Review status: criteria provided, conflicting classifications (1 of 4 stars). 2 submissions from 2 submitters: Uncertain significance (1); Likely benign (1). Last evaluated 2024-10-21.

Conditions:
Costello syndrome (CSTLO). Also called: FCS SYNDROME; HRAS-Related Costello Syndrome; FACIOCUTANEOSKELETAL SYNDROME. Identifiers: Orphanet 3071, MedGen C0587248, MONDO:0009026, OMIM 218040.

gnomAD v4.1: 1 of 1,607,610 alleles (0.000062%); highest among the groups gnomAD compares: South Asian, 0.0011%; no homozygotes.

Submissions (2):

Labcorp Genetics (formerly Invitae), Labcorp
Classification: Uncertain significance for Costello syndrome. Last evaluated: 2024-10-21. Review status: criteria provided, single submitter. Criteria: Invitae Variant Classification Sherloc (09022015). Collection method: clinical testing. Allele origin: germline.
Comment: This sequence change falls in intron 2 of the HRAS gene. It does not directly change the encoded amino acid sequence of the HRAS protein. It affects a nucleotide within the consensus splice site. This variant is not present in population databases (gnomAD no frequency). This variant has not been reported in the literature in individuals affected with HRAS-related conditions. Variants that disrupt the consensus splice site are a relatively common cause of aberrant splicing (PMID: 17576681, 9536098). Algorithms developed to predict the effect of sequence changes on RNA splicing suggest that this variant is not likely to affect RNA splicing. In summary, the available evidence is currently insufficient to determine the role of this variant in disease. Therefore, it has been classified as a Variant of Uncertain Significance.

Blueprint Genetics
Classification: Likely benign. Last evaluated: 2024-05-16. Review status: criteria provided, single submitter. Criteria: ACMG Guidelines, 2015. Collection method: clinical testing. Allele origin: germline.

Literature cited by the submitters: PubMed 17576681 (cited by Labcorp Genetics (formerly Invitae), Labcorp); PubMed 9536098 (cited by Labcorp Genetics (formerly Invitae), Labcorp).

NM_005343.4(HRAS):c.111+3G>A

Genes: HRAS (HRas proto-oncogene, GTPase; minus strand), LRRC56 (leucine rich repeat containing 56; plus strand). Cytogenetic location: 11p15.5.
Variant type: single nucleotide variant.
Coding change: c.111+3G>A on transcript NM_005343.4 (MANE Select); 3 bases into the intron after coding-DNA position 111, G replaced by A.
Molecular consequence: intron variant.
Genome position (GRCh38, 1-based): chr11:534,209, C>T on the plus strand (G>A on the coding strand, the complement: HRAS is on the minus strand). VCF-style: chr11-534209-C-T. GRCh37 (hg19) VCF-style: chr11-534209-C-T.
Other names: c.111+3G>A (NM_001130442.3, NM_176795.5); c.-209+3G>A (NM_001318054.2).
Identifiers: ClinVar variation 3706458 (VCV003706458.3).